The following is an entry in ClinVar:

ClinVar aggregate classification (germline): Conflicting classifications of pathogenicity. Review status: criteria provided, conflicting classifications (1 of 4 stars). 10 submissions from 10 submitters: Pathogenic (5); Likely pathogenic (3); Uncertain significance (1). 1 of the submissions does not count toward it. Last evaluated 2026-02-13.

Conditions:
Galactosylceramide beta-galactosidase deficiency. Also called: GLOBOID CELL LEUKOENCEPHALOPATHY; Leukodystrophy, Globoid Cell; Krabbe Disease; GALACTOCEREBROSIDASE DEFICIENCY; GALC DEFICIENCY. Identifiers: Orphanet 487, MedGen C0023521, MONDO:0009499, OMIM 245200.

Allele frequency attached by ClinVar (database versions not stated): ExAC 0.00011; ESP Exome Variant Server 0.00049; gnomAD exomes 0.00008; 1000 Genomes Project 30x 0.00016; TOPMed 0.00039; gnomAD 0.00057; 1000 Genomes Project 0.00020.

Submissions (10):

OLLIN Analises Genomicas, OLLIN
Classification: Likely pathogenic for Galactosylceramide beta-galactosidase deficiency. Last evaluated: 2026-02-13. Review status: criteria provided, single submitter. Criteria: ACMG Guidelines 2015 PMID 25741868. Collection method: clinical testing. Allele origin: germline. Observed: 1 variant allele.
Comment: PS3_P, PM2_P, PM3, PP3_M

Labcorp Genetics (formerly Invitae), Labcorp
Classification: Pathogenic for Galactosylceramide beta-galactosidase deficiency. Last evaluated: 2026-01-22. Review status: criteria provided, single submitter. Criteria: Invitae Variant Classification Sherloc (09022015). Collection method: clinical testing. Allele origin: germline.
Comment: This sequence change replaces methionine, which is neutral and non-polar, with valine, which is neutral and non-polar, at codon 117 of the GALC protein (p.Met117Val). This variant is present in population databases (rs145580093, gnomAD 0.1%). This missense change has been observed in individual(s) with Krabbe disease (PMID: 23430802, 30089515). In at least one individual the data is consistent with being in trans (on the opposite chromosome) from a pathogenic variant. This variant is also known as p.Met101Val. ClinVar contains an entry for this variant (Variation ID: 92504). Invitae Evidence Modeling of protein sequence and biophysical properties (such as structural, functional, and spatial information, amino acid conservation, physicochemical variation, residue mobility, and thermodynamic stability) indicates that this missense variant is expected to disrupt GALC protein function with a positive predictive value of 95%. Experimental studies have shown that this missense change affects GALC function (PMID: 27638593). For these reasons, this variant has been classified as Pathogenic.

Natera, Inc.
Classification: Pathogenic for Galactosylceramide beta-galactosidase deficiency. Last evaluated: 2025-12-15. Review status: criteria provided, single submitter. Criteria: Natera Variant Classification Schema (03/2026). Collection method: clinical testing. Allele origin: germline.
Comment: The c.349A>G variant in GALC is a missense variant predicted to cause substitution of methionine to valine at amino acid 117. This variant is rare in the general population with a frequency below the threshold expected for the associated phenotype(s). This variant has been observed in one or more individuals affected with the associated recessive disease, as either homozygous or compound heterozygous with a second variant (PMID: 28598007, 23430802, 26795590). Computational prediction algorithms indicate this variant is likely to affect gene or protein function. Given the available evidence, this variant is classified as Pathogenic.

Women's Health and Genetics/Laboratory Corporation of America, LabCorp
Classification: Pathogenic for Galactosylceramide beta-galactosidase deficiency. Last evaluated: 2025-04-09. Review status: criteria provided, single submitter. Criteria: LabCorp Variant Classification Summary - May 2015. Collection method: clinical testing. Allele origin: germline.
Comment: Variant summary: GALC c.349A>G (p.Met117Val) results in a conservative amino acid change in the encoded protein sequence. Four of five in-silico tools predict a damaging effect of the variant on protein function. The variant allele was found at a frequency of 8.4e-05 in 249238 control chromosomes. This frequency is not significantly higher than estimated for a pathogenic variant in GALC causing Krabbe Disease (8.4e-05 vs 0.0022), allowing no conclusion about variant significance. c.349A>G has been reported in the literature in multiple individuals affected with Krabbe Disease (e.g. Sharp_2013, Bascou_2018, Zhao_2018, Basheeruddin_2021). These data indicate that the variant is very likely to be associated with disease. At least one publication reports experimental evidence evaluating an impact on protein function (Saavedra-Matiz_2016). The most pronounced variant effect results in reduced GALC activity in transfected COS1 cells. The following publications have been ascertained in the context of this evaluation (PMID: 30089515, 34065072, 27638593, 23430802, 28598007). ClinVar contains an entry for this variant (Variation ID: 92504). Based on the evidence outlined above, the variant was classified as pathogenic.

Revvity Omics, Revvity
Classification: Likely pathogenic. Last evaluated: 2024-11-11. Review status: criteria provided, single submitter. Criteria: ACMG Guidelines, 2015. Collection method: clinical testing. Allele origin: germline.

Fulgent Genetics
Classification: Likely pathogenic for Galactosylceramide beta-galactosidase deficiency. Last evaluated: 2024-06-12. Review status: criteria provided, single submitter. Criteria: ACMG Guidelines, 2015. Collection method: clinical testing. Allele origin: germline.

Eurofins Ntd Llc (ga)
Classification: Uncertain significance. Last evaluated: 2016-08-26. Review status: criteria provided, single submitter. Criteria: EGL Classification Definitions 2015. Collection method: clinical testing. Allele origin: germline. Observed: 3 variant alleles, 3 heterozygotes.

Center for Pediatric Genomic Medicine, Children's Mercy Hospital and Clinics
Classification: Pathogenic. Last evaluated: 2015-11-11. Review status: criteria provided, single submitter. Criteria: ACMG Guidelines, 2015. Collection method: clinical testing. Allele origin: germline.

Baylor Genetics
Classification: Pathogenic for Galactosylceramide beta-galactosidase deficiency. Review status: criteria provided, single submitter. Criteria: ACMG Guidelines, 2015. Collection method: clinical testing. Allele origin: germline.

Counsyl
Classification: Uncertain significance for Galactosylceramide beta-galactosidase deficiency. Last evaluated: 2018-01-09. Review status: no assertion criteria provided. Collection method: clinical testing. Allele origin: unknown. Not counted in ClinVar's aggregate classification.

Literature cited by the submitters: PubMed 23430802 (cited by 4 submitters); PubMed 30089515 (cited by Labcorp Genetics (formerly Invitae), Labcorp and Women's Health and Genetics/Laboratory Corporation of America, LabCorp); PubMed 27638593 (cited by 3 submitters); PubMed 28598007 (cited by Natera, Inc. and Women's Health and Genetics/Laboratory Corporation of America, LabCorp); PubMed 26795590 (cited by Natera, Inc. and Counsyl); PubMed 34065072 (cited by Women's Health and Genetics/Laboratory Corporation of America, LabCorp).

NM_000153.4(GALC):c.349A>G (p.Met117Val)

Gene: GALC (galactosylceramidase; minus strand). Cytogenetic location: 14q31.3.
Variant type: single nucleotide variant.
Coding change: c.349A>G on transcript NM_000153.4 (MANE Select); coding-DNA position 349, A replaced by G.
Protein change: p.Met117Val; replaces methionine 117 with valine.
Molecular consequence: missense variant.
Genome position (GRCh38, 1-based): chr14:87,986,582, T>C on the plus strand (A>G on the coding strand, the complement: GALC is on the minus strand). VCF-style: chr14-87986582-T-C. GRCh37 (hg19) VCF-style: chr14-88452926-T-C.
Other names: c.280A>G, p.Met94Val (NM_001201401.2); c.271A>G, p.Met91Val (NM_001201402.2); short protein forms M117V, M94V, M91V.
Identifiers: ClinVar variation 92504 (VCV000092504.22), dbSNP rs145580093, ClinGen allele CA220410.
Genomic context (GRCh38, chr14:87,986,582, plus strand): 5'-CTTCTTTCATCAACCACCACTCGTATCCTCGGAAATAATTCTCATCTAGTGCATAATGCA[T>C]GTGGGAGGGCTCAGTGCCGTCTGAATAGAGGAGAGCAAAAACGGAAGTAATGATCCATGA-3'
Protein context (NP_000144.2, residues 107-127): QTTDGTEPSH[Met117Val]HYALDENYFR